The following is an entry in ClinVar:

NM_002296.4(LBR):c.1600C>A (p.Leu534Ile)

Gene: LBR (lamin B receptor; minus strand). Cytogenetic location: 1q42.12.
Variant type: single nucleotide variant.
Coding change: c.1600C>A on transcript NM_002296.4 (MANE Select); coding-DNA position 1600, C replaced by A.
Protein change: p.Leu534Ile; replaces leucine 534 with isoleucine.
Molecular consequence: missense variant.
Genome position (GRCh38, 1-based): chr1:225,404,491, G>T on the plus strand (C>A on the coding strand, the complement: LBR is on the minus strand). VCF-style: chr1-225404491-G-T. GRCh37 (hg19) VCF-style: chr1-225592193-G-T.
Other names: c.1600C>A, p.Leu534Ile (NM_194442.3); short protein forms L534I.
Identifiers: ClinVar variation 2781005 (VCV002781005.3), dbSNP rs1352864124, ClinGen allele CA344992964.

ClinVar aggregate classification (germline): Uncertain significance (1 of 4 stars; one submission).

Allele frequency attached by ClinVar (database versions not stated): gnomAD 0.00001.
gnomAD v4.1: 12 of 1,613,454 alleles (0.00074%); highest among the groups gnomAD compares: Non-Finnish European, 0.001%; no homozygotes.

Submission:

Labcorp Genetics (formerly Invitae), Labcorp
Classification: Uncertain significance. Last evaluated: 2022-11-07. Review status: criteria provided, single submitter. Criteria: Invitae Variant Classification Sherloc (09022015). Collection method: clinical testing. Allele origin: germline.
Comment: In summary, the available evidence is currently insufficient to determine the role of this variant in disease. Therefore, it has been classified as a Variant of Uncertain Significance. Advanced modeling of protein sequence and biophysical properties (such as structural, functional, and spatial information, amino acid conservation, physicochemical variation, residue mobility, and thermodynamic stability) performed at Invitae indicates that this missense variant is not expected to disrupt LBR protein function. This variant has not been reported in the literature in individuals affected with LBR-related conditions. This variant is not present in population databases (gnomAD no frequency). This sequence change replaces leucine, which is neutral and non-polar, with isoleucine, which is neutral and non-polar, at codon 534 of the LBR protein (p.Leu534Ile).